The following is an entry in ClinVar:

ClinVar aggregate classification (germline): Pathogenic (1 of 4 stars; one submission).

Conditions:
Cardiovascular phenotype. Identifiers: MedGen CN230736.

Submission:

Ambry Genetics
Classification: Pathogenic for Cardiovascular phenotype. Last evaluated: 2026-07-15. Review status: criteria provided, single submitter. Criteria: Ambry Variant Classification Scheme 2023. Collection method: clinical testing. Allele origin: germline.
Comment: The c.4762dupG pathogenic mutation, located in coding exon 28 of the FLNC gene, results from a duplication of G at nucleotide position 4762, causing a translational frameshift with a predicted alternate stop codon (p.A1588Gfs*32). This variant is considered to be rare based on population cohorts in the Genome Aggregation Database (gnomAD). This alteration is expected to result in loss of function by premature protein truncation or nonsense-mediated mRNA decay. As such, this alteration is interpreted as a disease-causing mutation for FLNC-related dilated cardiomyopathy; however, its clinical significance for FLNC-related hypertrophy/restrictive cardiomyopathy and/or skeletal myopathy is uncertain.

NM_001458.5(FLNC):c.4762dup (p.Ala1588fs)

Gene: FLNC (filamin C; plus strand). Cytogenetic location: 7q32.1.
Variant type: Duplication.
Coding change: c.4762dup on transcript NM_001458.5 (MANE Select); coding-DNA position 4762, one base duplicated (G; older notation c.4762dupG).
Protein change: p.Ala1588fs; shifts the reading frame from alanine 1588.
Molecular consequence: frameshift variant.
Genome position (GRCh38, 1-based): chr7:128,848,817, G duplicated; the last of 2 consecutive G bases (chr7:128,848,816-128,848,817); duplicating either gives the same sequence. VCF-style (leftmost placement, unchanged base first): chr7-128848815-A-AG. GRCh37 (hg19) VCF-style: chr7-128488869-A-AG.
Other names: c.4762dup, p.Ala1588fs (NM_001127487.2); c.4762dupG (NM_001458.4); short protein forms A1588fs.
Identifiers: ClinVar variation 5021947 (VCV005021947.1).